The following is an entry in ClinVar:

ClinVar aggregate classification (germline): Likely pathogenic (1 of 4 stars; one submission).

Conditions:
Familial X-linked hypophosphatemic vitamin D refractory rickets (XLHRD). Also called: HYPOPHOSPHATEMIC VITAMIN D-RESISTANT RICKETS; X-Linked Hypophosphatemia; Hypophosphatemia, vitamin D-resistant rickets; Vitamin D-resistant rickets, X-linked; Hypophosphatemic Rickets, X-Linked Dominant. Identifiers: Orphanet 89936, MedGen C0733682, MONDO:0010619, OMIM 307800.

Submission:

Molecular Genetics Laboratory, Motol Hospital
Classification: Likely pathogenic for Familial X-linked hypophosphatemic vitamin D refractory rickets. Last evaluated: 2024-11-06. Review status: criteria provided, single submitter. Criteria: ACMG Guidelines, 2015. Collection method: clinical testing. Allele origin: germline. Affected: yes. Observed: 1 variant allele.
Comment: Rare truncating variants affecting the PHEX gene are well documented as a molecular cause of X-linked hypophosphatemic rickets (XLHRD) )PMID:38442738;32329911;10874297;16055933) (OMIM:307800). To conclude, the variant is classified as likely pathogenic (ACMG PVS1, PM2).

Literature cited by the submitters: PubMed 38442738; PubMed 32329911; PubMed 10874297; PubMed 16055933.

NM_000444.6(PHEX):c.966del (p.Ile322fs)

Gene: PHEX (phosphate regulating endopeptidase X-linked; plus strand). Cytogenetic location: Xp22.11.
Variant type: Deletion.
Coding change: c.966del on transcript NM_000444.6 (MANE Select); coding-DNA position 966, one base deleted (T; older notation c.966delT).
Protein change: p.Ile322fs; shifts the reading frame from isoleucine 322.
Molecular consequence: frameshift variant.
Genome position (GRCh38, 1-based): chrX:22,099,038, T deleted; the last of 2 consecutive T bases (chrX:22,099,037-22,099,038); deleting either gives the same sequence. VCF-style (leftmost placement, unchanged base first): chrX-22099036-AT-A. GRCh37 (hg19) VCF-style: chrX-22117154-AT-A.
Other names: c.966del, p.Ile322fs (NM_001282754.2); short protein forms I322fs.
Identifiers: ClinVar variation 3374705 (VCV003374705.2).